The following is an entry in ClinVar:

NM_001387283.1(SMARCA4):c.4220G>A (p.Gly1407Glu)

Gene: SMARCA4 (SWI/SNF related BAF chromatin remodeling complex subunit ATPase 4; plus strand). Cytogenetic location: 19p13.2.
Variant type: single nucleotide variant.
Coding change: c.4220G>A on transcript NM_001387283.1 (MANE Plus Clinical); coding-DNA position 4220, G replaced by A.
Protein change: p.Gly1407Glu; replaces glycine 1407 with glutamic acid.
Molecular consequence: missense variant. On other transcripts: intron variant (7).
Genome position (GRCh38, 1-based): chr19:11,039,507, G>A. VCF-style: chr19-11039507-G-A. GRCh37 (hg19) VCF-style: chr19-11150183-G-A.
Other names: c.4220G>A, p.Gly1407Glu (NM_001128849.3); c.4121G>A, p.Gly1374Glu (NM_001411150.1); c.4171-1800G>A (NM_001128844.3, NM_003072.5); c.4072-1800G>A (NM_001128847.4, NM_001374457.1, NM_001128848.2); c.4072-1791G>A (NM_001128845.2, NM_001128846.2); short protein forms G1374E, G1407E.
Identifiers: ClinVar variation 4549163 (VCV004549163.1).

ClinVar aggregate classification (germline): Uncertain significance (1 of 4 stars; one submission).

Conditions:
Hereditary cancer-predisposing syndrome. Also called: Tumor predisposition; Hereditary Cancer Syndrome; Hereditary neoplastic syndrome; Neoplastic Syndromes, Hereditary. Identifiers: Orphanet 140162, MedGen C0027672, MeSH D009386, MONDO:0015356.

Submission:

Ambry Genetics
Classification: Uncertain significance for Hereditary cancer-predisposing syndrome. Last evaluated: 2025-09-19. Review status: criteria provided, single submitter. Criteria: Ambry Variant Classification Scheme 2023. Collection method: clinical testing. Allele origin: germline.
Comment: The p.G1407E variant (also known as c.4220G>A), located in coding exon 29 of the SMARCA4 gene, results from a G to A substitution at nucleotide position 4220. The glycine at codon 1407 is replaced by glutamic acid, an amino acid with similar properties. This amino acid position is conserved. In addition, this alteration is predicted to be tolerated by in silico analysis. Based on the available evidence, the clinical significance of this variant remains unclear.